The following is an entry in ClinVar:

NM_023036.6(DNAI2):c.1040G>A (p.Arg347His)

Gene: DNAI2 (dynein axonemal intermediate chain 2; plus strand). Cytogenetic location: 17q25.1.
Variant type: single nucleotide variant.
Coding change: c.1040G>A on transcript NM_023036.6 (MANE Select); coding-DNA position 1040, G replaced by A.
Protein change: p.Arg347His; replaces arginine 347 with histidine.
Molecular consequence: missense variant. On other transcripts: non-coding transcript variant (1).
Genome position (GRCh38, 1-based): chr17:74,305,271, G>A. VCF-style: chr17-74305271-G-A. GRCh37 (hg19) VCF-style: chr17-72301410-G-A.
Other names: c.1040G>A, p.Arg347His (NM_001172810.3, NM_001353167.2); short protein forms R347H.
Identifiers: ClinVar variation 662259 (VCV000662259.10), dbSNP rs138489039, ClinGen allele CA8745595.

ClinVar aggregate classification (germline): Uncertain significance. Review status: criteria provided, multiple submitters, no conflicts (2 of 4 stars). 4 submissions from 4 submitters: Uncertain significance (3). 1 of the submissions does not count toward it. Last evaluated 2024-04-23.

Conditions:
Primary ciliary dyskinesia. Also called: Ciliary dyskinesia. Identifiers: Orphanet 244, MedGen C0008780, MONDO:0016575, HP:0012265.
Primary ciliary dyskinesia 9. Also called: CILIARY DYSKINESIA, PRIMARY, 9, WITH OR WITHOUT SITUS INVERSUS. Identifiers: Orphanet 244, MedGen C2676235, MONDO:0012906, OMIM 612444.

Allele frequency attached by ClinVar (database versions not stated): ExAC 0.00002; gnomAD exomes 0.00003; ESP Exome Variant Server 0.00008; gnomAD 0.00014 and 0.00015; TOPMed 0.00015; 1000 Genomes Project 0.00040; 1000 Genomes Project 30x 0.00047.
gnomAD v4.1: 155 of 1,614,200 alleles (0.0096%); highest among the groups gnomAD compares: African/African-American, 0.037%; no homozygotes.

Submissions (4):

Ambry Genetics
Classification: Uncertain significance for Primary ciliary dyskinesia. Last evaluated: 2024-04-23. Review status: criteria provided, single submitter. Criteria: Ambry Variant Classification Scheme 2023. Collection method: clinical testing. Allele origin: germline.

Labcorp Genetics (formerly Invitae), Labcorp
Classification: Uncertain significance for Primary ciliary dyskinesia. Last evaluated: 2022-08-15. Review status: criteria provided, single submitter. Criteria: Invitae Variant Classification Sherloc (09022015). Collection method: clinical testing. Allele origin: germline.
Comment: This sequence change replaces arginine, which is basic and polar, with histidine, which is basic and polar, at codon 347 of the DNAI2 protein (p.Arg347His). This variant is present in population databases (rs138489039, gnomAD 0.03%). This variant has not been reported in the literature in individuals affected with DNAI2-related conditions. ClinVar contains an entry for this variant (Variation ID: 662259). Algorithms developed to predict the effect of missense changes on protein structure and function are either unavailable or do not agree on the potential impact of this missense change (SIFT: "Deleterious"; PolyPhen-2: "Possibly Damaging"; Align-GVGD: "Class C0"). In summary, the available evidence is currently insufficient to determine the role of this variant in disease. Therefore, it has been classified as a Variant of Uncertain Significance.

Illumina Laboratory Services, Illumina
Classification: Uncertain significance for Primary ciliary dyskinesia 9. Last evaluated: 2018-01-12. Review status: criteria provided, single submitter. Criteria: ICSL Variant Classification Criteria 13 December 2019. Collection method: clinical testing. Allele origin: germline.

Natera, Inc.
Classification: Uncertain significance for Primary ciliary dyskinesia. Last evaluated: 2020-01-10. Review status: no assertion criteria provided. Collection method: clinical testing. Allele origin: germline. Not counted in ClinVar's aggregate classification.